The following is an entry in ClinVar:

ClinVar aggregate classification (germline): Likely pathogenic (1 of 4 stars; one submission).

Conditions:
C2CD3-related disorder. Also called: C2CD3-related condition.

Submission:

PreventionGenetics, part of Exact Sciences
Classification: Likely pathogenic for C2CD3-related condition. Last evaluated: 2023-03-10. Review status: criteria provided, single submitter. Criteria: ACMG Guidelines, 2015. Collection method: clinical testing. Allele origin: germline.
Comment: The C2CD3 c.3160+2T>C variant is predicted to disrupt the GT donor site and interfere with normal splicing. To our knowledge, this variant has not been reported in the literature or in a large population database, indicating this variant is rare. Variants that disrupt the consensus splice donor site in C2CD3 are expected to be pathogenic. This variant is interpreted as likely pathogenic.

NM_001286577.2(C2CD3):c.3160+2T>C

Gene: C2CD3 (C2 domain containing 3 centriole elongation regulator; minus strand). Cytogenetic location: 11q13.4.
Variant type: single nucleotide variant.
Coding change: c.3160+2T>C on transcript NM_001286577.2 (MANE Select); the canonical splice donor site of the intron after coding-DNA position 3160, T replaced by C.
Molecular consequence: splice donor variant.
Genome position (GRCh38, 1-based): chr11:74,095,226, A>G on the plus strand (T>C on the coding strand, the complement: C2CD3 is on the minus strand). VCF-style: chr11-74095226-A-G. GRCh37 (hg19) VCF-style: chr11-73806271-A-G.
Other names: c.3160+2T>C (NM_015531.6).
Identifiers: ClinVar variation 2633874 (VCV002633874.1), dbSNP rs2496419846, ClinGen allele CA381826672.